The following is an entry in ClinVar:

NM_001023.4(RPS20):c.306T>G (p.Thr102=)

Gene: RPS20 (ribosomal protein S20; minus strand). Cytogenetic location: 8q12.1.
Variant type: single nucleotide variant.
Coding change: c.306T>G on transcript NM_001023.4 (MANE Select); coding-DNA position 306, T replaced by G.
Protein change: p.Thr102=; no amino-acid change (threonine 102 retained).
Molecular consequence: synonymous variant.
Genome position (GRCh38, 1-based): chr8:56,073,144, A>C on the plus strand (T>G on the coding strand, the complement: RPS20 is on the minus strand). VCF-style: chr8-56073144-A-C. GRCh37 (hg19) VCF-style: chr8-56985703-A-C.
Other names: c.306T>G, p.Thr102= (NM_001146227.3).
Identifiers: ClinVar variation 1799492 (VCV001799492.4), dbSNP rs749176723, ClinGen allele CA4754318.

ClinVar aggregate classification (germline): Benign/Likely benign. Review status: criteria provided, multiple submitters, no conflicts (2 of 4 stars). 3 submissions from 3 submitters: Benign (1); Likely benign (2). Last evaluated 2026-08-04.

Conditions:
Familial colorectal cancer type X. Identifiers: Orphanet 440437, MedGen C3896578, MONDO:0018604.

Allele frequency attached by ClinVar (database versions not stated): gnomAD 0.00001.
gnomAD v4.1: 18 of 1,598,190 alleles (0.0011%); highest among the groups gnomAD compares: South Asian, 0.019%; no homozygotes.

Submissions (3):

Myriad Genetics, Inc.
Classification: Benign for Familial colorectal cancer type X. Last evaluated: 2026-08-04. Review status: criteria provided, single submitter. Criteria: Myriad Autosomal Dominant, Autosomal Recessive and X-Linked Classification Criteria (2023). Collection method: clinical testing. Allele origin: unknown.
Comment: This variant is considered benign. This variant is a silent/synonymous amino acid change and it is not expected to impact splicing.

Labcorp Genetics (formerly Invitae), Labcorp
Classification: Likely benign. Last evaluated: 2025-03-04. Review status: criteria provided, single submitter. Criteria: Invitae Variant Classification Sherloc (09022015). Collection method: clinical testing. Allele origin: germline.

Ambry Genetics
Classification: Likely benign. Last evaluated: 2022-08-05. Review status: criteria provided, single submitter. Criteria: Ambry Variant Classification Scheme 2023. Collection method: clinical testing. Allele origin: germline.